The following is an entry in ClinVar:

ClinVar aggregate classification (germline): Uncertain significance. Review status: criteria provided, multiple submitters, no conflicts (2 of 4 stars). 4 submissions from 4 submitters: Uncertain significance (3). 1 of the submissions does not count toward it. Last evaluated 2026-03-30.

Conditions:
ROR1-related disorder. Also called: ROR1-related condition.
Hearing loss, autosomal recessive 108. Also called: DEAFNESS, AUTOSOMAL RECESSIVE 108. Identifiers: MedGen C4539997, MONDO:0033200, OMIM 617654.

Allele frequency attached by ClinVar (database versions not stated): gnomAD exomes 0.00007; ESP Exome Variant Server 0.00008; TOPMed 0.00014.
gnomAD v4.1: 114 of 1,614,084 alleles (0.0071%); highest among the groups gnomAD compares: Admixed American, 0.045%; 1 homozygote.

Submissions (4):

PreventionGenetics, part of Exact Sciences
Classification: Uncertain significance for ROR1-related condition. Last evaluated: 2026-03-30. Review status: criteria provided, single submitter. Criteria: ACMG Guidelines, 2015. Collection method: clinical testing. Allele origin: germline.
Comment: The ROR1 c.1639C>T variant is predicted to result in the amino acid substitution p.Pro547Ser. To our knowledge, this variant has not been reported in the literature. This variant is reported in 0.042% of alleles in individuals of Latino descent in gnomAD. At this time, the clinical significance of this variant is uncertain due to the absence of conclusive functional and genetic evidence.

Ambry Genetics
Classification: Uncertain significance. Last evaluated: 2025-04-14. Review status: criteria provided, single submitter. Criteria: Ambry Variant Classification Scheme 2023. Collection method: clinical testing. Allele origin: germline.

Labcorp Genetics (formerly Invitae), Labcorp
Classification: Uncertain significance. Last evaluated: 2025-03-21. Review status: criteria provided, single submitter. Criteria: Invitae Variant Classification Sherloc (09022015). Collection method: clinical testing. Allele origin: germline.
Comment: This sequence change replaces proline, which is neutral and non-polar, with serine, which is neutral and polar, at codon 547 of the ROR1 protein (p.Pro547Ser). This variant is present in population databases (rs137874089, gnomAD 0.04%). This variant has not been reported in the literature in individuals affected with ROR1-related conditions. ClinVar contains an entry for this variant (Variation ID: 1424363). Invitae Evidence Modeling of protein sequence and biophysical properties (such as structural, functional, and spatial information, amino acid conservation, physicochemical variation, residue mobility, and thermodynamic stability) has been performed for this missense variant. However, the output from this modeling did not meet the statistical confidence thresholds required to predict the impact of this variant on ROR1 protein function. In summary, the available evidence is currently insufficient to determine the role of this variant in disease. Therefore, it has been classified as a Variant of Uncertain Significance.

Zotz-Klimas Genetics Lab, MVZ Zotz Klimas
Classification: Uncertain significance for Hearing loss, autosomal recessive 108. Last evaluated: 2023-10-09. Review status: no assertion criteria provided. Collection method: clinical testing. Allele origin: germline. Affected: yes. Not counted in ClinVar's aggregate classification.

NM_005012.4(ROR1):c.1639C>T (p.Pro547Ser)

Gene: ROR1 (ROR family WNT receptor 1; plus strand). Cytogenetic location: 1p31.3.
Variant type: single nucleotide variant.
Coding change: c.1639C>T on transcript NM_005012.4 (MANE Select); coding-DNA position 1639, C replaced by T.
Protein change: p.Pro547Ser; replaces proline 547 with serine.
Molecular consequence: missense variant.
Genome position (GRCh38, 1-based): chr1:64,177,680, C>T. VCF-style: chr1-64177680-C-T. GRCh37 (hg19) VCF-style: chr1-64643363-C-T.
Other names: c.1639C>T (NM_005012.2, NM_005012.3); short protein forms P547S.
Identifiers: ClinVar variation 1424363 (VCV001424363.12), dbSNP rs137874089, ClinGen allele CA890315.